The following is an entry in ClinVar:

ClinVar aggregate classification (germline): Likely benign. Review status: criteria provided, multiple submitters, no conflicts (2 of 4 stars). 3 submissions from 3 submitters: Likely benign (2). 1 of the submissions does not count toward it. Last evaluated 2021-10-05.

Conditions:
Inborn genetic diseases. Identifiers: MedGen C0950123, MeSH D030342.
Primary familial polycythemia due to EPO receptor mutation. Also called: ERYTHROCYTOSIS, SOMATIC; POLYCYTHEMIA, PRIMARY FAMILIAL AND CONGENITAL; Primary Familial Congenital Polycythemia; Erythrocytosis, familial, 1. Identifiers: Orphanet 90042, MedGen C4551637, MONDO:0007572, OMIM 133100.

Allele frequency attached by ClinVar (database versions not stated): gnomAD 0.00003 and 0.00004; ExAC 0.00005; gnomAD exomes 0.00005 and 0.00009; TOPMed 0.00005.

Submissions (3):

Ambry Genetics
Classification: Likely benign for Inborn genetic diseases. Last evaluated: 2021-10-05. Review status: criteria provided, single submitter. Criteria: Ambry Variant Classification Scheme 2023. Collection method: clinical testing. Allele origin: germline.

Illumina Laboratory Services, Illumina
Classification: Likely benign for Primary familial polycythemia due to EPO receptor mutation. Last evaluated: 2018-01-13. Review status: criteria provided, single submitter. Criteria: ICSL Variant Classification Criteria 13 December 2019. Collection method: clinical testing. Allele origin: germline.
Comment: This variant was observed in the ICSL laboratory as part of a predisposition screen in an ostensibly healthy population. It had not been previously curated by ICSL or reported in the Human Gene Mutation Database (HGMD: prior to June 1st, 2018), and was therefore a candidate for classification through an automated scoring system. Utilizing variant allele frequency, disease prevalence and penetrance estimates, and inheritance mode, an automated score was calculated to assess if this variant is too frequent to cause the disease. Based on the score and internal cut-off values, a variant classified as likely benign is not then subjected to further curation. The score for this variant resulted in a classification of likely benign for this disease.

Department of Pathology and Laboratory Medicine, Sinai Health System
Classification: Uncertain significance. Review status: no assertion criteria provided. Collection method: clinical testing. Allele origin: unknown. Affected: yes. Study: The Canadian Open Genetics Repository (COGR). Not counted in ClinVar's aggregate classification.
Comment: Â¬â€ The EPOR p.D482N variant was not identified in the literature, however it was identified in dbSNP (ID: rs775164142) and in ClinVar (classified as uncertain significance by Illumina Clinical Services Laboratory for the associated condition Familial Erythrocytosis). The variant was identified in control databases in 26 of 282736 chromosomes at a frequency of 0.00009196 (Genome Aggregation Database March 6, 2019, v2.1.1). The variant was observed in the following populations: Ashkenazi Jewish in 20 of 10360 chromosomes (freq: 0.001931), Other in 2 of 7224 chromosomes (freq: 0.000277) and European (non-Finnish) in 4 of 129084 chromosomes (freq: 0.000031), but was not observed in the African, Latino, East Asian, European (Finnish), or South Asian populations. The p.D482 residue is not conserved in mammals and computational analyses (PolyPhen-2, SIFT, MutationTaster, Revel, FATHMM, MetaLR, DANN) do not suggest a high likelihood of impact to the protein; however, this information is not predictive enough to rule out pathogenicity. The variant occurs outside of the splicing consensus sequence and in silico or computational prediction software programs (Splice AI exome) do not predict a difference in splicing. In summary, based on the above information the clinical significance of this variant cannot be determined with certainty at this time. This variant is classified as a variant of uncertain significance.

NM_000121.4(EPOR):c.1444G>A (p.Asp482Asn)

Gene: EPOR (erythropoietin receptor; minus strand). Cytogenetic location: 19p13.2.
Variant type: single nucleotide variant.
Coding change: c.1444G>A on transcript NM_000121.4 (MANE Select); coding-DNA position 1444, G replaced by A.
Protein change: p.Asp482Asn; replaces aspartic acid 482 with asparagine.
Molecular consequence: missense variant. On other transcripts: non-coding transcript variant (1).
Genome position (GRCh38, 1-based): chr19:11,378,067, C>T on the plus strand (G>A on the coding strand, the complement: EPOR is on the minus strand). VCF-style: chr19-11378067-C-T. GRCh37 (hg19) VCF-style: chr19-11488743-C-T.
Other names: short protein forms D482N.
Identifiers: ClinVar variation 328138 (VCV000328138.8), dbSNP rs775164142, ClinGen allele CA9210513.
Genomic context (GRCh38, chr19:11,378,067, plus strand): 5'-GGGGCAGAGGCTCAGCGGCTGGGATAAGGCTGTTCTCATAAGGGTTGGAGTAGGGGCCAT[C>T]GGATAAGCCCCCTTGGGCTCCCTGGGAGTCCCCTGAGCTGTAGTCAGTTGAGATGCCAGA-3'
Protein context (NP_000112.1, residues 472-492): DSQGAQGGLS[Asp482Asn]GPYSNPYENS